The following is an entry in ClinVar:

NM_001365536.1(SCN9A):c.5019T>A (p.Asp1673Glu)

Genes: SCN9A (sodium voltage-gated channel alpha subunit 9; minus strand), SCN1A-AS1 (SCN1A and SCN9A antisense RNA 1; plus strand). Cytogenetic location: 2q24.3.
Variant type: single nucleotide variant.
Coding change: c.5019T>A on transcript NM_001365536.1 (MANE Select); coding-DNA position 5019, T replaced by A.
Protein change: p.Asp1673Glu; replaces aspartic acid 1673 with glutamic acid.
Molecular consequence: missense variant.
Genome position (GRCh38, 1-based): chr2:166,199,620, A>T on the plus strand (T>A on the coding strand, the complement: SCN9A is on the minus strand). VCF-style: chr2-166199620-A-T. GRCh37 (hg19) VCF-style: chr2-167056130-A-T.
Other names: c.4986T>A, p.Asp1662Glu (NM_002977.4); short protein forms D1662E, D1673E.
Identifiers: ClinVar variation 2923391 (VCV002923391.3), dbSNP rs752918053, ClinGen allele CA349054903.

ClinVar aggregate classification (germline): Uncertain significance (1 of 4 stars; one submission).

Conditions:
Generalized epilepsy with febrile seizures plus, type 7 (GEFSP7). Also called: GEFS+, TYPE 7. Identifiers: Orphanet 36387, MedGen C2751778, MONDO:0013470, OMIM 613863.
Neuropathy, hereditary sensory and autonomic, type 2A (HSAN2A). Also called: ACROOSTEOLYSIS, GIACCAI TYPE; ACROOSTEOLYSIS, NEUROGENIC; HSAN IIA; WNK1-Related HSAN2 (HSAN2A); MORVAN DISEASE; NEUROPATHY, CONGENITAL SENSORY. Identifiers: Orphanet 970, MedGen C2752089, MONDO:0024309, OMIM 201300.

gnomAD v4.1: 1 of 1,614,154 alleles (0.000062%); highest among the groups gnomAD compares: South Asian, 0.0011%; no homozygotes.

Submission:

Labcorp Genetics (formerly Invitae), Labcorp
Classification: Uncertain significance for Neuropathy, hereditary sensory and autonomic, type 2A; Generalized epilepsy with febrile seizures plus, type 7. Last evaluated: 2023-06-25. Review status: criteria provided, single submitter. Criteria: Invitae Variant Classification Sherloc (09022015). Collection method: clinical testing. Allele origin: germline.
Comment: In summary, the available evidence is currently insufficient to determine the role of this variant in disease. Therefore, it has been classified as a Variant of Uncertain Significance. Advanced modeling of protein sequence and biophysical properties (such as structural, functional, and spatial information, amino acid conservation, physicochemical variation, residue mobility, and thermodynamic stability) performed at Invitae indicates that this missense variant is not expected to disrupt SCN9A protein function. This variant has not been reported in the literature in individuals affected with SCN9A-related conditions. This variant is not present in population databases (gnomAD no frequency). This sequence change replaces aspartic acid, which is acidic and polar, with glutamic acid, which is acidic and polar, at codon 1662 of the SCN9A protein (p.Asp1662Glu).